The following is an entry in ClinVar:

ClinVar aggregate classification (germline): Uncertain significance (1 of 4 stars; one submission).

Submission:

GeneDx
Classification: Uncertain significance. Last evaluated: 2024-12-08. Review status: criteria provided, single submitter. Criteria: GeneDx Variant Classification Process June 2021. Collection method: clinical testing. Allele origin: germline. Affected: yes.
Comment: Not observed at significant frequency in large population cohorts (gnomAD); In silico analysis indicates that this missense variant does not alter protein structure/function; Has not been previously published as pathogenic or benign to our knowledge

NM_001257291.2(SLC9A7):c.1719C>G (p.Asp573Glu)

Gene: SLC9A7 (solute carrier family 9 member A7; minus strand). Cytogenetic location: Xp11.3.
Variant type: single nucleotide variant.
Coding change: c.1719C>G on transcript NM_001257291.2 (MANE Select); coding-DNA position 1719, C replaced by G.
Protein change: p.Asp573Glu; replaces aspartic acid 573 with glutamic acid.
Molecular consequence: missense variant.
Genome position (GRCh38, 1-based): chrX:46,631,607, G>C on the plus strand (C>G on the coding strand, the complement: SLC9A7 is on the minus strand). VCF-style: chrX-46631607-G-C. GRCh37 (hg19) VCF-style: chrX-46491042-G-C.
Other names: c.1716C>G, p.Asp572Glu (NM_032591.3); short protein forms D572E, D573E.
Identifiers: ClinVar variation 3901367 (VCV003901367.1).